The following is an entry in ClinVar:

ClinVar aggregate classification (germline): Likely pathogenic (1 of 4 stars; one submission).

Conditions:
Polycystic kidney disease, adult type (PKD1). Also called: POLYCYSTIC KIDNEY DISEASE 1 WITH OR WITHOUT POLYCYSTIC LIVER DISEASE; POLYCYSTIC KIDNEY DISEASE, ADULT, TYPE I; Polycystic Kidney, Autosomal Dominant; Polycystic Kidney Disease 1, Autosomal Dominant; Polycystic kidney disease 1; Polycystic kidney disease 1, severe. Identifiers: MedGen C3149841, MONDO:0008263, OMIM 173900.

Submission:

Molecular Genetics Department, Kulakov National Medical Research Center for Obstetrics, Gynecology and Perinatology
Classification: Likely pathogenic for Polycystic kidney disease, adult type. Review status: criteria provided, single submitter. Criteria: ACMG Guidelines, 2015. Collection method: clinical testing. Allele origin: germline. Affected: yes. Observed: 1 variant allele.
Comment: A previously undescribed heterozygous nucleotide variant creates a frameshift p.Gly3877AlafsTer68 in the PKD1 gene. Heterozygous loss-of-function variants are reported in patients with polycystic kidney disease 1, 173900. The variant is not present in population database (gnomAD no frequency). In summary, the currently available evidence indicates that the variant is pathogenic, but additional data are needed to prove that conclusively. Therefore, this variant has been classified as likely pathogenic.

NM_001009944.3(PKD1):c.11630del (p.Gly3877fs)

Genes: PKD1 (polycystin 1, transient receptor potential channel interacting; minus strand), PKD1-AS1 (PKD1 antisense RNA 1; plus strand). Cytogenetic location: 16p13.3.
Variant type: Deletion.
Coding change: c.11630del on transcript NM_001009944.3 (MANE Select); coding-DNA position 11630, one base deleted (G; older notation c.11630delG).
Protein change: p.Gly3877fs; shifts the reading frame from glycine 3877.
Molecular consequence: frameshift variant. On other transcripts: non-coding transcript variant (1).
Genome position (GRCh38, 1-based): chr16:2,091,505, C deleted on the plus strand (G on the coding strand, the reverse complement: PKD1 is on the minus strand); the first of 2 consecutive C bases (chr16:2,091,505-2,091,506); deleting either gives the same sequence. VCF-style (leftmost placement, unchanged base first): chr16-2091504-GC-G. GRCh37 (hg19) VCF-style: chr16-2141505-GC-G.
Other names: c.11627del, p.Gly3876fs (NM_000296.4); short protein forms G3876fs, G3877fs.
Identifiers: ClinVar variation 4294495 (VCV004294495.1).